The following is an entry in ClinVar:

ClinVar aggregate classification (germline): Uncertain significance. Review status: criteria provided, multiple submitters, no conflicts (2 of 4 stars). 2 submissions from 2 submitters: Uncertain significance (2). Last evaluated 2024-05-23.

Conditions:
Blau syndrome (BLAUS). Also called: ARTHROCUTANEOUVEAL GRANULOMATOSIS; GRANULOMATOSIS, FAMILIAL JUVENILE SYSTEMIC; GRANULOMATOSIS, FAMILIAL, BLAU TYPE; GRANULOMATOUS INFLAMMATORY ARTHRITIS, DERMATITIS, AND UVEITIS, FAMILIAL; JABS SYNDROME. Identifiers: Orphanet 90340, MedGen C5201146, MONDO:0008523, OMIM 186580.
Regional enteritis. Also called: Enteritis, Granulomatous. Identifiers: MedGen C0678202, MeSH D003424.

Submissions (2):

GeneDx
Classification: Uncertain significance. Last evaluated: 2024-05-23. Review status: criteria provided, single submitter. Criteria: GeneDx Variant Classification Process June 2021. Collection method: clinical testing. Allele origin: germline. Affected: yes.
Comment: Not observed at significant frequency in large population cohorts (gnomAD); Nonsense variant predicted to result in protein truncation or nonsense mediated decay in a gene or region of a gene for which loss of function is not a well-established mechanism of disease; Has not been previously published as pathogenic or benign to our knowledge

Labcorp Genetics (formerly Invitae), Labcorp
Classification: Uncertain significance for Regional enteritis; Blau syndrome. Last evaluated: 2024-02-06. Review status: criteria provided, single submitter. Criteria: Invitae Variant Classification Sherloc (09022015). Collection method: clinical testing. Allele origin: germline.
Comment: This sequence change creates a premature translational stop signal (p.Trp687*) in the NOD2 gene. It is expected to result in an absent or disrupted protein product. However, the current clinical and genetic evidence is not sufficient to establish whether loss-of-function variants in NOD2 cause disease. This variant is present in population databases (rs772247744, gnomAD 0.002%). This variant has not been reported in the literature in individuals affected with NOD2-related conditions. In summary, the available evidence is currently insufficient to determine the role of this variant in disease. Therefore, it has been classified as a Variant of Uncertain Significance.

NM_001370466.1(NOD2):c.1980G>A (p.Trp660Ter)

Gene: NOD2 (nucleotide binding oligomerization domain containing 2; plus strand). Cytogenetic location: 16q12.1.
Variant type: single nucleotide variant.
Coding change: c.1980G>A on transcript NM_001370466.1 (MANE Select); coding-DNA position 1980, G replaced by A.
Protein change: p.Trp660Ter; replaces tryptophan 660 with a stop codon.
Molecular consequence: nonsense. On other transcripts: non-coding transcript variant (1).
Genome position (GRCh38, 1-based): chr16:50,711,972, G>A. VCF-style: chr16-50711972-G-A. GRCh37 (hg19) VCF-style: chr16-50745883-G-A.
Other names: c.1980G>A, p.Trp660Ter (NM_001293557.2); c.2061G>A, p.Trp687Ter (NM_022162.3); short protein forms W660*, W687*.
Identifiers: ClinVar variation 3381323 (VCV003381323.3).